The following is an entry in ClinVar:

ClinVar aggregate classification (germline): Pathogenic (1 of 4 stars; one submission).

Conditions:
Severe combined immunodeficiency due to DCLRE1C deficiency (RS-SCID). Also called: SCID, AUTOSOMAL RECESSIVE, T CELL-NEGATIVE, B CELL-NEGATIVE, NK CELL-POSITIVE, WITH SENSITIVITY TO IONIZING RADIATION. Identifiers: Orphanet 275, MedGen C1865371, MONDO:0011225, OMIM 602450.

Submission:

Labcorp Genetics (formerly Invitae), Labcorp
Classification: Pathogenic for Athabaskan severe combined immunodeficiency. Last evaluated: 2021-04-29. Review status: criteria provided, single submitter. Criteria: Invitae Variant Classification Sherloc (09022015). Collection method: clinical testing. Allele origin: germline.
Comment: This variant has not been reported in the literature in individuals with DCLRE1C-related conditions. For these reasons, this variant has been classified as Pathogenic. This variant disrupts the C-terminus of the DCLRE1C protein. Other variant(s) that disrupt this region (p.Thr557Asnfs*21) have been determined to be pathogenic (PMID: 26476407). This suggests that variants that disrupt this region of the protein are likely to be causative of disease. This variant is not present in population databases (ExAC no frequency). This sequence change creates a premature translational stop signal (p.Lys520Alafs*4) in the DCLRE1C gene. While this is not anticipated to result in nonsense mediated decay, it is expected to disrupt the last 173 amino acid(s) of the DCLRE1C protein.

Literature cited by the submitters: PubMed 26476407.

NM_001033855.3(DCLRE1C):c.1558_1559del (p.Lys520fs)

Gene: DCLRE1C (DNA cross-link repair 1C; minus strand). Cytogenetic location: 10p13.
Variant type: Deletion.
Coding change: c.1558_1559del on transcript NM_001033855.3 (MANE Select); coding-DNA positions 1558 to 1559, 2 bases deleted (AA; older notation c.1558_1559delAA).
Protein change: p.Lys520fs; shifts the reading frame from lysine 520.
Molecular consequence: frameshift variant. On other transcripts: non-coding transcript variant (4).
Genome position (GRCh38, 1-based): chr10:14,908,928-14,908,929, TT deleted on the plus strand (AA on the coding strand, the reverse complement: DCLRE1C is on the minus strand); deleting any 2 consecutive bases within chr10:14,908,928-14,908,930 gives the same sequence; the c. name uses the placement nearest the transcript's 3' end. VCF-style (leftmost placement, unchanged base first): chr10-14908927-CTT-C. GRCh37 (hg19) VCF-style: chr10-14950926-CTT-C.
Other names: c.1198_1199del, p.Lys400fs (NM_001033857.3, NM_001033858.3, NM_001289077.2 and 2 more transcripts); c.1213_1214del, p.Lys405fs (NM_001289076.2, NM_001289078.2, NM_001350966.2 and 1 more transcripts); c.1558_1559del, p.Lys520fs (NM_001350965.2); short protein forms K520fs, K405fs, K400fs.
Identifiers: ClinVar variation 1440557 (VCV001440557.8), dbSNP rs2131775466, ClinGen allele CA2573145020.